The following is an entry in ClinVar:

NM_014290.3(TDRD7):c.2603C>T (p.Pro868Leu)

Gene: TDRD7 (tudor domain containing 7; plus strand). Cytogenetic location: 9q22.33.
Variant type: single nucleotide variant.
Coding change: c.2603C>T on transcript NM_014290.3 (MANE Select); coding-DNA position 2603, C replaced by T.
Protein change: p.Pro868Leu; replaces proline 868 with leucine.
Molecular consequence: missense variant.
Genome position (GRCh38, 1-based): chr9:97,483,039, C>T. VCF-style: chr9-97483039-C-T. GRCh37 (hg19) VCF-style: chr9-100245321-C-T.
Other names: c.2381C>T, p.Pro794Leu (NM_001302884.2); c.2603C>T (NM_014290.2); short protein forms P794L, P868L.
Identifiers: ClinVar variation 1355094 (VCV001355094.7), dbSNP rs764446051, ClinGen allele CA5146979.

ClinVar aggregate classification (germline): Uncertain significance. Review status: criteria provided, multiple submitters, no conflicts (2 of 4 stars). 2 submissions from 2 submitters: Uncertain significance (2). Last evaluated 2022-10-04.

Conditions:
Cataract 36. Identifiers: MedGen C3151304, MONDO:0013484, OMIM 613887.
Inborn genetic diseases. Identifiers: MedGen C0950123, MeSH D030342.

Allele frequency attached by ClinVar (database versions not stated): gnomAD exomes below 0.00001; ExAC 0.00001.
gnomAD v4.1: 2 of 1,614,166 alleles (0.00012%); highest among the groups gnomAD compares: Admixed American, 0.0033%; no homozygotes.

Submissions (2):

Ambry Genetics
Classification: Uncertain significance for Inborn genetic diseases. Last evaluated: 2022-10-04. Review status: criteria provided, single submitter. Criteria: Ambry Variant Classification Scheme 2023. Collection method: clinical testing. Allele origin: germline.

Labcorp Genetics (formerly Invitae), Labcorp
Classification: Uncertain significance for Cataract 36. Last evaluated: 2021-09-09. Review status: criteria provided, single submitter. Criteria: Invitae Variant Classification Sherloc (09022015). Collection method: clinical testing. Allele origin: germline.
Comment: In summary, the available evidence is currently insufficient to determine the role of this variant in disease. Therefore, it has been classified as a Variant of Uncertain Significance. Algorithms developed to predict the effect of missense changes on protein structure and function (SIFT, PolyPhen-2, Align-GVGD) all suggest that this variant is likely to be tolerated. This variant has not been reported in the literature in individuals affected with TDRD7-related conditions. This variant is present in population databases (rs764446051, ExAC 0.009%). This sequence change replaces proline with leucine at codon 868 of the TDRD7 protein (p.Pro868Leu). The proline residue is weakly conserved and there is a moderate physicochemical difference between proline and leucine.